The following is an entry in ClinVar:

NM_001429.4(EP300):c.2416C>T (p.Pro806Ser)

Gene: EP300 (E1A binding protein p300; plus strand). Cytogenetic location: 22q13.2.
Variant type: single nucleotide variant.
Coding change: c.2416C>T on transcript NM_001429.4 (MANE Select); coding-DNA position 2416, C replaced by T.
Protein change: p.Pro806Ser; replaces proline 806 with serine.
Molecular consequence: missense variant.
Genome position (GRCh38, 1-based): chr22:41,149,797, C>T. VCF-style: chr22-41149797-C-T. GRCh37 (hg19) VCF-style: chr22-41545801-C-T.
Other names: c.2338C>T, p.Pro780Ser (NM_001362843.2); short protein forms P780S, P806S.
Identifiers: ClinVar variation 3089280 (VCV003089280.2), dbSNP rs760059559, ClinGen allele CA324536137.

ClinVar aggregate classification (germline): Uncertain significance. Review status: criteria provided, single submitter (1 of 4 stars). 2 submissions from 2 submitters: Uncertain significance (1). 1 of the submissions does not count toward it. Last evaluated 2023-12-08.

Conditions:
Inborn genetic diseases. Identifiers: MedGen C0950123, MeSH D030342.
EP300-related disorder. Also called: EP300-related disorders; EP300-related condition.

gnomAD v4.1: 2 of 1,614,112 alleles (0.00012%); highest among the groups gnomAD compares: Non-Finnish European, 0.000085%; no homozygotes.

Submissions (2):

Ambry Genetics
Classification: Uncertain significance for Inborn genetic diseases. Last evaluated: 2023-12-08. Review status: criteria provided, single submitter. Criteria: Ambry Variant Classification Scheme 2023. Collection method: clinical testing. Allele origin: germline.

PreventionGenetics, part of Exact Sciences
Classification: Uncertain significance for EP300-related condition. Last evaluated: 2024-04-10. Review status: no assertion criteria provided. Collection method: clinical testing. Allele origin: germline. Not counted in ClinVar's aggregate classification.
Comment: The EP300 c.2416C>T variant is predicted to result in the amino acid substitution p.Pro806Ser. To our knowledge, this variant has not been reported in the literature or in a large population database, indicating this variant is rare. At this time, the clinical significance of this variant is uncertain due to the absence of conclusive functional and genetic evidence.